The following is an entry in ClinVar:

ClinVar aggregate classification (germline): Pathogenic (1 of 4 stars; one submission).

Conditions:
Acute myeloid leukemia (AML). Also called: Leukemia, acute myeloid, somatic; Leukemia, acute myelogenous, somatic; Acute myeloid leukemia, adult; AML adult; Acute non-lymphocytic leukemia; Acute granulocytic leukemia. Identifiers: Orphanet 519, MedGen C0023467, MeSH D015470, MONDO:0018874, OMIM 601626, HP:0004808. Disease mechanism: Constitutively activated FLT3.

Submission:

Labcorp Genetics (formerly Invitae), Labcorp
Classification: Pathogenic for Acute myeloid leukemia. Last evaluated: 2022-02-04. Review status: criteria provided, single submitter. Criteria: Invitae Variant Classification Sherloc (09022015). Collection method: clinical testing. Allele origin: germline.
Comment: This premature translational stop signal has been observed in individual(s) with familial acute myeloid leukemia (Invitae). It has also been observed to segregate with disease in related individuals. This variant is not present in population databases (gnomAD no frequency). This sequence change creates a premature translational stop signal (p.Asp63Glnfs*43) in the CEBPA gene. While this is not anticipated to result in nonsense mediated decay, it is expected to disrupt the last 296 amino acid(s) of the CEBPA protein. For these reasons, this variant has been classified as Pathogenic. This variant disrupts the production of the full length isoform (p42) of the CEBPA protein, which results in the preferential usage of an alternate downstream in-frame methionine at codon 120. Translation starting from this methionine results in a 30 kDa N-terminal truncated isoform of CEBPA that lacks the TAD1 domain, and has been shown to abrogate CEBPA function by acting as a dominant-negative allele (PMID: 11242107, 19953636, 26162409). While functional studies have not been performed to directly test the effect of this variant on CEBPA protein function, this suggests that disruption of this region of the protein is causative of disease. ClinVar contains an entry for this variant (Variation ID: 408751).

Literature cited by the submitters: PubMed 11242107; PubMed 19953636; PubMed 26162409.

NM_004364.5(CEBPA):c.186_190del (p.Asp63fs)

Gene: CEBPA (CCAAT enhancer binding protein alpha; minus strand). Cytogenetic location: 19q13.11.
Variant type: Deletion.
Coding change: c.186_190del on transcript NM_004364.5 (MANE Select); coding-DNA positions 186 to 190, 5 bases deleted (CGACA; older notation c.186_190delCGACA).
Protein change: p.Asp63fs; shifts the reading frame from aspartic acid 63.
Molecular consequence: frameshift variant. On other transcripts: 5 prime UTR variant (1).
Genome position (GRCh38, 1-based): chr19:33,302,225-33,302,229, TGTCG deleted on the plus strand (CGACA on the coding strand, the reverse complement: CEBPA is on the minus strand). VCF-style (leftmost placement, unchanged base first): chr19-33302224-ATGTCG-A. GRCh37 (hg19) VCF-style: chr19-33793130-ATGTCG-A.
Other names: c.186_190delCGACA (NM_004364.4); c.-172_-168del (NM_001285829.2); c.291_295del, p.Asp98fs (NM_001287424.2); c.144_148del, p.Asp49fs (NM_001287435.2); short protein forms D49fs, D98fs, D63fs.
Identifiers: ClinVar variation 408751 (VCV000408751.9), dbSNP rs1060502121, ClinGen allele CA16616039.